The following is an entry in ClinVar:

ClinVar aggregate classification (germline): Uncertain significance (1 of 4 stars; one submission).

Submission:

GeneDx
Classification: Uncertain significance. Last evaluated: 2024-10-10. Review status: criteria provided, single submitter. Criteria: GeneDx Variant Classification Process June 2021. Collection method: clinical testing. Allele origin: germline. Affected: yes.
Comment: Not observed at significant frequency in large population cohorts (gnomAD); Has not been previously published as pathogenic or benign to our knowledge; Frameshift variant predicted to result in abnormal protein length as the last 266 amino acid(s) are replaced with 46 different amino acid(s) with an unclear effect on protein function

NM_001363066.2(CLDN5):c.-144_-142delinsAA

Gene: CLDN5 (claudin 5; minus strand). Cytogenetic location: 22q11.21.
Variant type: Indel.
Coding change: c.-144_-142delinsAA on transcript NM_001363066.2 (MANE Select); 144 bases upstream of the start codon through 142 bases upstream of the start codon, GAG replaced by AA.
Molecular consequence: 5 prime UTR variant. On other transcripts: frameshift variant (3).
Genome position (GRCh38, 1-based): chr22:19,524,397-19,524,399, CTC replaced by TT on the plus strand (GAG replaced by AA on the coding strand, the reverse complement: CLDN5 is on the minus strand). VCF-style: chr22-19524397-CTC-TT. GRCh37 (hg19) VCF-style: chr22-19511920-CTC-TT.
Other names: c.112_114delinsAA, p.Glu38fs (NM_001130861.1, NM_001363067.2, NM_003277.4); short protein forms E38fs.
Identifiers: ClinVar variation 3777651 (VCV003777651.1).